The following is an entry in ClinVar:

NM_002474.3(MYH11):c.4598C>T (p.Ser1533Phe)

Genes: MYH11 (myosin heavy chain 11; minus strand), NDE1 (nudE neurodevelopment protein 1; plus strand). Cytogenetic location: 16p13.11.
Variant type: single nucleotide variant.
Coding change: c.4598C>T on transcript NM_002474.3 (MANE Select); coding-DNA position 4598, C replaced by T.
Protein change: p.Ser1533Phe; replaces serine 1533 with phenylalanine.
Molecular consequence: missense variant. On other transcripts: intron variant (2).
Genome position (GRCh38, 1-based): chr16:15,721,032, G>A on the plus strand (C>T on the coding strand, the complement: MYH11 is on the minus strand). VCF-style: chr16-15721032-G-A. GRCh37 (hg19) VCF-style: chr16-15814889-G-A.
Other names: c.4619C>T, p.Ser1540Phe (NM_001040113.2, NM_001040114.2); c.4598C>T, p.Ser1533Phe (NM_022844.3); c.948-3159G>A (NM_001143979.2, NM_017668.3); short protein forms S1533F, S1540F.
Identifiers: ClinVar variation 3072402 (VCV003072402.5), dbSNP rs748529935, ClinGen allele CA7921610.

ClinVar aggregate classification (germline): Uncertain significance. Review status: criteria provided, multiple submitters, no conflicts (2 of 4 stars). 4 submissions from 4 submitters: Uncertain significance (4). Last evaluated 2025-04-11.

Conditions:
Familial thoracic aortic aneurysm and aortic dissection (TAAD). Also called: Thoracic aortic aneurysms and dissections. Identifiers: Orphanet 91387, MedGen C4707243, MONDO:0019625.

Allele frequency attached by ClinVar (database versions not stated): ExAC 0.00001.
gnomAD v4.1: 5 of 1,613,852 alleles (0.00031%); highest among the groups gnomAD compares: Admixed American, 0.0083%; no homozygotes.

Submissions (4):

GeneDx
Classification: Uncertain significance. Last evaluated: 2025-04-11. Review status: criteria provided, single submitter. Criteria: GeneDx Variant Classification Process June 2021. Collection method: clinical testing. Allele origin: germline. Affected: yes.
Comment: Not observed at significant frequency in large population cohorts (gnomAD); In silico analysis supports that this missense variant has a deleterious effect on protein structure/function; Has not been previously published as pathogenic or benign to our knowledge; This variant is associated with the following publications: (PMID: 21529752)

All of Us Research Program, National Institutes of Health
Classification: Uncertain significance for Familial thoracic aortic aneurysm and aortic dissection. Last evaluated: 2024-05-30. Review status: criteria provided, single submitter. Criteria: ACMG Guidelines, 2015. Collection method: clinical testing. Allele origin: germline. Inheritance: Autosomal dominant inheritance. Observed: 4 variant alleles, 4 heterozygotes.
Comment: This missense variant replaces serine with phenylalanine at codon 1540 of the MYH11 protein. Computational prediction is inconclusive regarding the impact of this variant on protein structure and function (internally defined REVEL score threshold 0.5 < inconclusive < 0.7, PMID: 27666373). To our knowledge, functional studies have not been reported for this variant. This variant has not been reported in individuals affected with MYH11-related disorders in the literature. This variant has been identified in 4/251372 chromosomes in the general population by the Genome Aggregation Database (gnomAD). The available evidence is insufficient to determine the role of this variant in disease conclusively. Therefore, this variant is classified as a Variant of Uncertain Significance.

This study involves interpretation of variants in research participants for the purpose of population health screening. Participant phenotype was not available at the time of variant classification. Additional details can be found in publication PMID: 35346344, PMCID: PMC8962531

Color Diagnostics, LLC DBA Color Health
Classification: Uncertain significance for Familial thoracic aortic aneurysm and aortic dissection. Last evaluated: 2024-05-14. Review status: criteria provided, single submitter. Criteria: ACMG Guidelines, 2015. Collection method: clinical testing. Allele origin: germline.
Comment: This missense variant replaces serine with phenylalanine at codon 1540 of the MYH11 protein. Computational prediction is inconclusive regarding the impact of this variant on protein structure and function (internally defined REVEL score threshold 0.5 < inconclusive < 0.7, PMID: 27666373). To our knowledge, functional studies have not been reported for this variant. This variant has not been reported in individuals affected with MYH11-related disorders in the literature. This variant has been identified in 4/251372 chromosomes in the general population by the Genome Aggregation Database (gnomAD). The available evidence is insufficient to determine the role of this variant in disease conclusively. Therefore, this variant is classified as a Variant of Uncertain Significance.

Ambry Genetics
Classification: Uncertain significance for Familial thoracic aortic aneurysm and aortic dissection. Last evaluated: 2024-03-15. Review status: criteria provided, single submitter. Criteria: Ambry Variant Classification Scheme 2023. Collection method: clinical testing. Allele origin: germline.
Comment: The p.S1533F variant (also known as c.4598C>T), located in coding exon 32 of the MYH11 gene, results from a C to T substitution at nucleotide position 4598. The serine at codon 1533 is replaced by phenylalanine, an amino acid with highly dissimilar properties. This amino acid position is conserved. In addition, the in silico prediction for this alteration is inconclusive. Based on the available evidence, the clinical significance of this alteration remains unclear.